The following is an entry in ClinVar:

ClinVar aggregate classification (germline): Uncertain significance. Review status: criteria provided, multiple submitters, no conflicts (2 of 4 stars). 2 submissions from 2 submitters: Uncertain significance (2). Last evaluated 2023-10-09.

Conditions:
Neurofibromatosis, type 1 (NF1). Also called: Neurofibromatosis, type I; VON RECKLINGHAUSEN DISEASE; Peripheral type neurofibromatosis; NEUROFIBROMATOSIS, TYPE I, SOMATIC. Identifiers: Orphanet 636, MedGen C0027831, MONDO:0018975, OMIM 162200. Disease mechanism: loss of function.

Allele frequency attached by ClinVar (database versions not stated): TOPMed 0.00001.

Submissions (2):

Women's Health and Genetics/Laboratory Corporation of America, LabCorp
Classification: Uncertain significance. Last evaluated: 2023-10-09. Review status: criteria provided, single submitter. Criteria: LabCorp Variant Classification Summary - May 2015. Collection method: clinical testing. Allele origin: germline.
Comment: Variant summary: NF1 c.2447G>C (p.Arg816Pro) results in a non-conservative amino acid change in the encoded protein sequence. Three of five in-silico tools predict a damaging effect of the variant on protein function. The variant was absent in 250020 control chromosomes (gnomAD). The available data on variant occurrences in the general population are insufficient to allow any conclusion about variant significance. To our knowledge, no occurrence of c.2447G>C in individuals affected with Neurofibromatosis Type 1 or other NF1-related disorders and no experimental evidence demonstrating its impact on protein function have been reported. One submitter has cited a clinical-significance assessment for this variant to ClinVar after 2014 and has classified the variant as uncertain significance. Based on the evidence outlined above, the variant was classified as uncertain significance.

Labcorp Genetics (formerly Invitae), Labcorp
Classification: Uncertain significance for Neurofibromatosis, type 1. Last evaluated: 2022-09-14. Review status: criteria provided, single submitter. Criteria: Invitae Variant Classification Sherloc (09022015). Collection method: clinical testing. Allele origin: germline.
Comment: Advanced modeling of protein sequence and biophysical properties (such as structural, functional, and spatial information, amino acid conservation, physicochemical variation, residue mobility, and thermodynamic stability) performed at Invitae indicates that this missense variant is not expected to disrupt NF1 protein function. This sequence change replaces arginine, which is basic and polar, with proline, which is neutral and non-polar, at codon 816 of the NF1 protein (p.Arg816Pro). This variant is not present in population databases (gnomAD no frequency). This variant has not been reported in the literature in individuals affected with NF1-related conditions. ClinVar contains an entry for this variant (Variation ID: 857606). In summary, the available evidence is currently insufficient to determine the role of this variant in disease. Therefore, it has been classified as a Variant of Uncertain Significance.

NM_001042492.3(NF1):c.2447G>C (p.Arg816Pro)

Gene: NF1 (neurofibromin 1; plus strand). Cytogenetic location: 17q11.2.
Variant type: single nucleotide variant.
Coding change: c.2447G>C on transcript NM_001042492.3 (MANE Select); coding-DNA position 2447, G replaced by C.
Protein change: p.Arg816Pro; replaces arginine 816 with proline.
Molecular consequence: missense variant.
Genome position (GRCh38, 1-based): chr17:31,229,062, G>C. VCF-style: chr17-31229062-G-C. GRCh37 (hg19) VCF-style: chr17-29556080-G-C.
Other names: c.2447G>C, p.Arg816Pro (NM_000267.4); short protein forms R816P.
Identifiers: ClinVar variation 857606 (VCV000857606.7), dbSNP rs762709897, ClinGen allele CA398983913.